The following is an entry in ClinVar:

ClinVar aggregate classification (germline): Uncertain significance. Review status: criteria provided, multiple submitters, no conflicts (2 of 4 stars). 2 submissions from 2 submitters: Uncertain significance (2). Last evaluated 2024-04-15.

Conditions:
Inborn genetic diseases. Identifiers: MedGen C0950123, MeSH D030342.

Allele frequency attached by ClinVar (database versions not stated): gnomAD exomes 0.00001; ExAC 0.00002.

Submissions (2):

GeneDx
Classification: Uncertain significance. Last evaluated: 2024-04-15. Review status: criteria provided, single submitter. Criteria: GeneDx Variant Classification Process June 2021. Collection method: clinical testing. Allele origin: germline. Affected: yes.
Comment: Not observed at significant frequency in large population cohorts (gnomAD); In silico analysis supports that this missense variant has a deleterious effect on protein structure/function; Has not been previously published as pathogenic or benign to our knowledge

Ambry Genetics
Classification: Uncertain significance for Inborn genetic diseases. Last evaluated: 2023-08-08. Review status: criteria provided, single submitter. Criteria: Ambry Variant Classification Scheme 2023. Collection method: clinical testing. Allele origin: germline.

NM_001363711.2(DUOX2):c.896A>G (p.Tyr299Cys)

Gene: DUOX2 (dual oxidase 2; minus strand). Cytogenetic location: 15q21.1.
Variant type: single nucleotide variant.
Coding change: c.896A>G on transcript NM_001363711.2 (MANE Select); coding-DNA position 896, A replaced by G.
Protein change: p.Tyr299Cys; replaces tyrosine 299 with cysteine.
Molecular consequence: missense variant.
Genome position (GRCh38, 1-based): chr15:45,110,697, T>C on the plus strand (A>G on the coding strand, the complement: DUOX2 is on the minus strand). VCF-style: chr15-45110697-T-C. GRCh37 (hg19) VCF-style: chr15-45402895-T-C.
Other names: c.896A>G, p.Tyr299Cys (NM_014080.5); short protein forms Y299C.
Identifiers: ClinVar variation 2616945 (VCV002616945.3), dbSNP rs758867743, ClinGen allele CA7538845.